The following is an entry in ClinVar:

ClinVar aggregate classification (germline): Uncertain significance (1 of 4 stars; one submission).

Conditions:
Ehlers-Danlos syndrome, classic-like, 3. Identifiers: MedGen C5935631, MONDO:0971044, OMIM 620865.

gnomAD v4.1: 34 of 1,613,184 alleles (0.0021%); highest among the groups gnomAD compares: Admixed American, 0.0067%; no homozygotes.

Submission:

Clinical Genomics Laboratory, Washington University in St. Louis
Classification: Uncertain significance for Ehlers-Danlos syndrome, classic-like, 3. Last evaluated: 2026-05-01. Review status: criteria provided, single submitter. Criteria: ACMG Guidelines, 2015. Collection method: clinical testing. Allele origin: germline.
Comment: The THBS2 c.1556G>A (p.Arg519Gln) variant, to our knowledge, has not been reported in the medical literature. This variant is only observed in 8/281,932 alleles in the general population (gnomAD v2.1.1), indicating it is not a common variant. Computational predictors are uncertain as to the impact of this variant on THBS2 function. Due to limited information, the clinical significance of this variant is uncertain.

NM_003247.5(THBS2):c.1556G>A (p.Arg519Gln)

Genes: THBS2 (thrombospondin 2; minus strand), THBS2-AS1 (THBS2 antisense RNA 1; plus strand). Cytogenetic location: 6q27.
Variant type: single nucleotide variant.
Coding change: c.1556G>A on transcript NM_003247.5 (MANE Select); coding-DNA position 1556, G replaced by A.
Protein change: p.Arg519Gln; replaces arginine 519 with glutamine.
Molecular consequence: missense variant. On other transcripts: non-coding transcript variant (2), intron variant (1).
Genome position (GRCh38, 1-based): chr6:169,234,829, C>T on the plus strand (G>A on the coding strand, the complement: THBS2 is on the minus strand). VCF-style: chr6-169234829-C-T. GRCh37 (hg19) VCF-style: chr6-169634924-C-T.
Other names: c.1556G>A, p.Arg519Gln (NM_001381940.1); c.1325G>A, p.Arg442Gln (NM_001381942.1); c.1478-1812G>A (NM_001381939.1); short protein forms R442Q, R519Q.
Identifiers: ClinVar variation 4879285 (VCV004879285.1).